The following is an entry in ClinVar:

NM_001958.5(EEF1A2):c.806C>T (p.Thr269Ile)

Gene: EEF1A2 (eukaryotic translation elongation factor 1 alpha 2; minus strand). Cytogenetic location: 20q13.33.
Variant type: single nucleotide variant.
Coding change: c.806C>T on transcript NM_001958.5 (MANE Select); coding-DNA position 806, C replaced by T.
Protein change: p.Thr269Ile; replaces threonine 269 with isoleucine.
Molecular consequence: missense variant.
Genome position (GRCh38, 1-based): chr20:63,490,702, G>A on the plus strand (C>T on the coding strand, the complement: EEF1A2 is on the minus strand). VCF-style: chr20-63490702-G-A. GRCh37 (hg19) VCF-style: chr20-62122055-G-A.
Other names: short protein forms T269I.
Identifiers: ClinVar variation 3908071 (VCV003908071.1).
Genomic context (GRCh38, chr20:63,490,702, plus strand): 5'-ACCTCAGTGGTGATGTTCACTGGCGCAAAGGTCACCACCATGCCCGGCCGCAGGATGCCG[G>A]TCTCCACCCGGCCCACGGGCACCGTGCCAATGCCTGCAGAGGGGAGGGGGTGTGAGGGGA-3'
Protein context (NP_001949.1, residues 259-279): IGTVPVGRVE[Thr269Ile]GILRPGMVVT

ClinVar aggregate classification (germline): Uncertain significance (1 of 4 stars; one submission).

Submission:

GeneDx
Classification: Uncertain significance. Last evaluated: 2024-12-27. Review status: criteria provided, single submitter. Criteria: GeneDx Variant Classification Process June 2021. Collection method: clinical testing. Allele origin: germline. Affected: yes.
Comment: Not observed at significant frequency in large population cohorts (gnomAD); In silico analysis supports that this missense variant has a deleterious effect on protein structure/function; Has not been previously published as pathogenic or benign to our knowledge